The following is an entry in ClinVar:

NM_001148.6(ANK2):c.84G>A (p.Lys28=)

Gene: ANK2 (ankyrin 2; plus strand). Cytogenetic location: 4q25.
Variant type: single nucleotide variant.
Coding change: c.84G>A on transcript NM_001148.6 (MANE Select); coding-DNA position 84, G replaced by A.
Protein change: p.Lys28=; no amino-acid change (lysine 28 retained).
Molecular consequence: synonymous variant. On other transcripts: intron variant (43).
Genome position (GRCh38, 1-based): chr4:113,049,812, G>A. VCF-style: chr4-113049812-G-A. GRCh37 (hg19) VCF-style: chr4-113970968-G-A.
Other names: c.84G>A, p.Lys28= (NM_001354225.2, NM_001354228.2, NM_001354232.2 and 10 more transcripts); c.73-124604G>A (NM_001386186.2, NM_001386148.2, NM_001354269.3 and 1 more transcripts); c.22-101268G>A (NM_001386147.1, NM_001386160.1, NM_001354261.2); c.22-124604G>A (NM_001354254.2, NM_001354239.2, NM_001354252.2 and 33 more transcripts).
Identifiers: ClinVar variation 406485 (VCV000406485.8), dbSNP rs139765650, ClinGen allele CA3049845.

ClinVar aggregate classification (germline): Uncertain significance (1 of 4 stars; one submission).

Conditions:
Long QT syndrome (LQTS). Identifiers: MedGen C0023976, MeSH D008133, MONDO:0002442. Disease mechanism: loss of function. Inheritance: Various modes of inheritance.

Allele frequency attached by ClinVar (database versions not stated): gnomAD exomes 0.00001; ExAC 0.00002; TOPMed 0.00002; ESP Exome Variant Server 0.00008.
gnomAD v4.1: 2 of 1,613,536 alleles (0.00012%); highest among the groups gnomAD compares: African/African-American, 0.0027%; no homozygotes.

Submission:

Labcorp Genetics (formerly Invitae), Labcorp
Classification: Uncertain significance for Long QT syndrome. Last evaluated: 2024-01-15. Review status: criteria provided, single submitter. Criteria: Invitae Variant Classification Sherloc (09022015). Collection method: clinical testing. Allele origin: germline.
Comment: This sequence change affects codon 28 of the ANK2 mRNA. It is a 'silent' change, meaning that it does not change the encoded amino acid sequence of the ANK2 protein. This variant also falls at the last nucleotide of exon 1, which is part of the consensus splice site for this exon. This variant is present in population databases (rs139765650, gnomAD 0.007%). This variant has not been reported in the literature in individuals affected with ANK2-related conditions. ClinVar contains an entry for this variant (Variation ID: 406485). Variants that disrupt the consensus splice site are a relatively common cause of aberrant splicing (PMID: 17576681, 9536098). Algorithms developed to predict the effect of sequence changes on RNA splicing suggest that this variant may disrupt the consensus splice site. In summary, the available evidence is currently insufficient to determine the role of this variant in disease. Therefore, it has been classified as a Variant of Uncertain Significance.

Literature cited by the submitters: PubMed 17576681; PubMed 9536098.